The following is an entry in ClinVar:

ClinVar aggregate classification (germline): Uncertain significance (1 of 4 stars; one submission).

Conditions:
Hereditary cancer-predisposing syndrome. Also called: Neoplastic Syndromes, Hereditary; Tumor predisposition; Hereditary Cancer Syndrome; Hereditary neoplastic syndrome. Identifiers: Orphanet 140162, MedGen C0027672, MeSH D009386, MONDO:0015356.

Submission:

Ambry Genetics
Classification: Uncertain significance for Hereditary cancer-predisposing syndrome. Last evaluated: 2024-10-13. Review status: criteria provided, single submitter. Criteria: Ambry Variant Classification Scheme 2023. Collection method: clinical testing. Allele origin: germline.
Comment: The p.R475L variant (also known as c.1424G>T), located in coding exon 7 of the RET gene, results from a G to T substitution at nucleotide position 1424. The arginine at codon 475 is replaced by leucine, an amino acid with dissimilar properties. This amino acid position is conserved. In addition, this alteration is predicted to be tolerated by in silico analysis. Based on the available evidence, the clinical significance of this variant remains unclear.

NM_020975.6(RET):c.1424G>T (p.Arg475Leu)

Gene: RET (ret proto-oncogene; plus strand). Cytogenetic location: 10q11.21.
Variant type: single nucleotide variant.
Coding change: c.1424G>T on transcript NM_020975.6 (MANE Select); coding-DNA position 1424, G replaced by T.
Protein change: p.Arg475Leu; replaces arginine 475 with leucine.
Molecular consequence: missense variant. On other transcripts: intron variant (15).
Genome position (GRCh38, 1-based): chr10:43,111,367, G>T. VCF-style: chr10-43111367-G-T. GRCh37 (hg19) VCF-style: chr10-43606815-G-T.
Other names: c.662G>T, p.Arg221Leu (NM_001355216.2); c.1424G>T, p.Arg475Leu (NM_001406743.1, NM_001406744.1, NM_001406759.1 and 4 more transcripts); c.1295G>T, p.Arg432Leu (NM_001406761.1, NM_001406762.1, NM_001406764.1 and 1 more transcripts); c.1136G>T, p.Arg379Leu (NM_001406766.1, NM_001406767.1, NM_001406770.1); c.1028G>T, p.Arg343Leu (NM_001406769.1, NM_001406772.1); c.986G>T, p.Arg329Leu (NM_001406771.1, NM_001406773.1); c.899G>T, p.Arg300Leu (NM_001406774.1); c.698G>T, p.Arg233Leu (NM_001406775.1, NM_001406776.1, NM_001406777.1 and 1 more transcripts); and 5 more; short protein forms R145L, R221L, R300L, R475L, R233L, R343L, R432L, R329L.
Identifiers: ClinVar variation 3432280 (VCV003432280.1).
Genomic context (GRCh38, chr10:43,111,367, plus strand): 5'-TCACCTCAGCCGAGGACACCTCGGGGATCCTGTTTGTGAATGACACCAAGGCCCTGCGGC[G>T]GCCCAAGTGTGCCGAACTTCACTACATGGTGGTGGCCACCGACCAGCAGACCTCTAGGCA-3'
Protein context (NP_066124.1, residues 465-485): LFVNDTKALR[Arg475Leu]PKCAELHYMV